The following is an entry in ClinVar:

ClinVar aggregate classification (germline): Pathogenic (1 of 4 stars; one submission).

Conditions:
Hereditary nonpolyposis colorectal neoplasms. Identifiers: MedGen C0009405, MeSH D003123.

Submission:

Labcorp Genetics (formerly Invitae), Labcorp
Classification: Pathogenic for Hereditary nonpolyposis colorectal neoplasms. Last evaluated: 2025-01-15. Review status: criteria provided, single submitter. Criteria: Invitae Variant Classification Sherloc (09022015). Collection method: clinical testing. Allele origin: germline.
Comment: This sequence change affects a donor splice site in intron 7 of the MSH6 gene. It is expected to disrupt RNA splicing. Variants that disrupt the donor or acceptor splice site typically lead to a loss of protein function (PMID: 16199547), and loss-of-function variants in MSH6 are known to be pathogenic (PMID: 18269114, 24362816). This variant is not present in population databases (gnomAD no frequency). Disruption of this splice site has been observed in individuals with clinical features of Lynch syndrome (PMID: 36591511; internal data). ClinVar contains an entry for this variant (Variation ID: 1067408). Algorithms developed to predict the effect of sequence changes on RNA splicing suggest that this variant may disrupt the consensus splice site. For these reasons, this variant has been classified as Pathogenic.

Literature cited by the submitters: PubMed 16199547; PubMed 18269114; PubMed 24362816; PubMed 36591511.

NM_000179.3(MSH6):c.3646+1G>C

Gene: MSH6 (mutS homolog 6; plus strand). Cytogenetic location: 2p16.3.
Variant type: single nucleotide variant.
Coding change: c.3646+1G>C on transcript NM_000179.3 (MANE Select); the canonical splice donor site of the intron after coding-DNA position 3646, G replaced by C.
Molecular consequence: splice donor variant.
Genome position (GRCh38, 1-based): chr2:47,805,708, G>C. VCF-style: chr2-47805708-G-C. GRCh37 (hg19) VCF-style: chr2-48032847-G-C.
Other names: c.3646+1G>C (NM_001406809.1, NM_001406796.1, NM_001406808.1 and 1 more transcripts); c.2740+1G>C (NM_001406811.1, NM_001406814.1, NM_001281493.2 and 6 more transcripts); c.3349+1G>C (NM_001406805.1, NM_001406797.1, NM_001406801.1 and 10 more transcripts); c.3742+1G>C (NM_001406795.1, NM_001406802.1); c.3652+1G>C (NM_001406813.1); c.3121+1G>C (NM_001406807.1, NM_001406799.1, NM_001406806.1); c.3472+1G>C (NM_001406798.1); c.2782+1G>C (NM_001406803.1); and 7 more.
Identifiers: ClinVar variation 1067408 (VCV001067408.7), dbSNP rs1553332772, ClinGen allele CA346760639.